The following is an entry in ClinVar:

ClinVar aggregate classification (germline): Uncertain significance (1 of 4 stars; one submission).

Submission:

GeneDx
Classification: Uncertain significance. Last evaluated: 2024-03-06. Review status: criteria provided, single submitter. Criteria: GeneDx Variant Classification Process June 2021. Collection method: clinical testing. Allele origin: germline. Affected: yes.
Comment: Not observed at significant frequency in large population cohorts (gnomAD); In silico analysis supports that this missense variant does not alter protein structure/function; Has not been previously published as pathogenic or benign to our knowledge

NM_001195263.2(PDZD7):c.1174C>T (p.Leu392Phe)

Gene: PDZD7 (PDZ domain containing 7; minus strand). Cytogenetic location: 10q24.31.
Variant type: single nucleotide variant.
Coding change: c.1174C>T on transcript NM_001195263.2 (MANE Select); coding-DNA position 1174, C replaced by T.
Protein change: p.Leu392Phe; replaces leucine 392 with phenylalanine.
Molecular consequence: missense variant.
Genome position (GRCh38, 1-based): chr10:101,018,972, G>A on the plus strand (C>T on the coding strand, the complement: PDZD7 is on the minus strand). VCF-style: chr10-101018972-G-A. GRCh37 (hg19) VCF-style: chr10-102778729-G-A.
Other names: c.1174C>T, p.Leu392Phe (NM_001351044.2, NM_024895.5); short protein forms L392F.
Identifiers: ClinVar variation 3373726 (VCV003373726.1).